The following is an entry in ClinVar:

NM_001379500.1(COL18A1):c.3217-96_3248delinsACCCTGGCTCAGGCCCACCCA

Genes: COL18A1 (collagen type XVIII alpha 1 chain; plus strand), SLC19A1 (solute carrier family 19 member 1; minus strand). Cytogenetic location: 21q22.3.
Variant type: Indel.
Coding change: c.3217-96_3248delinsACCCTGGCTCAGGCCCACCCA on transcript NM_001379500.1 (MANE Select); 96 bases into the intron before coding-DNA position 3217 through coding-DNA position 3248, the reference bases replaced by ACCCTGGCTCAGGCCCACCCA.
Molecular consequence: splice acceptor variant.
Genome position (GRCh38, 1-based): chr21:45,507,465-45,507,592, 128 bases replaced. GRCh37 (hg19): chr21:46,927,379-46,927,506.
Other names: c.4462-96_4493delinsACCCTGGCTCAGGCCCACCCA (NM_130444.3); c.3757-96_3788delinsACCCTGGCTCAGGCCCACCCA (NM_030582.4).
Identifiers: ClinVar variation 2043948 (VCV002043948.4), dbSNP rs2517825283, ClinGen allele CA2580098888.

ClinVar aggregate classification (germline): Likely pathogenic (1 of 4 stars; one submission).

Submission:

Labcorp Genetics (formerly Invitae), Labcorp
Classification: Likely pathogenic. Last evaluated: 2022-08-23. Review status: criteria provided, single submitter. Criteria: Invitae Variant Classification Sherloc (09022015). Collection method: clinical testing. Allele origin: germline.
Comment: This variant results in the deletion of part of exon 38 (c.3208-96_3239delins21) of the COL18A1 gene. It is expected to disrupt RNA splicing. Variants that disrupt the donor or acceptor splice site typically lead to a loss of protein function (PMID: 16199547), and loss-of-function variants in COL18A1 are known to be pathogenic (PMID: 12415512, 25456301). In summary, the currently available evidence indicates that the variant is pathogenic, but additional data are needed to prove that conclusively. Therefore, this variant has been classified as Likely Pathogenic. Experimental studies and prediction algorithms are not available or were not evaluated, and the effect of this variant on mRNA splicing is currently unknown. This variant has not been reported in the literature in individuals affected with COL18A1-related conditions. This variant is not present in population databases (gnomAD no frequency).

Literature cited by the submitters: PubMed 16199547; PubMed 12415512; PubMed 25456301.